The following is an entry in ClinVar:

NM_000179.3(MSH6):c.3899T>A (p.Phe1300Tyr)

Gene: MSH6 (mutS homolog 6; plus strand). Cytogenetic location: 2p16.3.
Variant type: single nucleotide variant.
Coding change: c.3899T>A on transcript NM_000179.3 (MANE Select); coding-DNA position 3899, T replaced by A.
Protein change: p.Phe1300Tyr; replaces phenylalanine 1300 with tyrosine.
Molecular consequence: missense variant. On other transcripts: non-coding transcript variant (5), intron variant (1).
Genome position (GRCh38, 1-based): chr2:47,806,549, T>A. VCF-style: chr2-47806549-T-A. GRCh37 (hg19) VCF-style: chr2-48033688-T-A.
Other names: c.3509T>A, p.Phe1170Tyr (NM_001281492.2); c.2993T>A, p.Phe998Tyr (NM_001281493.2, NM_001281494.2, NM_001406811.1 and 6 more transcripts); c.3995T>A, p.Phe1332Tyr (NM_001406795.1); c.3899T>A, p.Phe1300Tyr (NM_001406796.1, NM_001406808.1, NM_001406809.1); c.3602T>A, p.Phe1201Tyr (NM_001406797.1, NM_001406801.1, NM_001406805.1 and 10 more transcripts); c.3725T>A, p.Phe1242Tyr (NM_001406798.1); c.3374T>A, p.Phe1125Tyr (NM_001406799.1, NM_001406806.1, NM_001406807.1); c.3886T>A, p.Leu1296Ile (NM_001406800.1); and 9 more; short protein forms F1170Y, F1244Y, F1300Y, F1332Y, F778Y, F1201Y, F998Y, F1012Y.
Identifiers: ClinVar variation 2587370 (VCV002587370.2), dbSNP rs2104559223, ClinGen allele CA346761418.

ClinVar aggregate classification (germline): Uncertain significance (1 of 4 stars; one submission).

Conditions:
Hereditary cancer-predisposing syndrome. Also called: Tumor predisposition; Hereditary Cancer Syndrome; Hereditary neoplastic syndrome; Neoplastic Syndromes, Hereditary. Identifiers: Orphanet 140162, MedGen C0027672, MeSH D009386, MONDO:0015356.

Submission:

Ambry Genetics
Classification: Uncertain significance for Hereditary cancer-predisposing syndrome. Last evaluated: 2023-09-11. Review status: criteria provided, single submitter. Criteria: Ambry Variant Classification Scheme 2023. Collection method: clinical testing. Allele origin: germline.
Comment: The p.F1300Y variant (also known as c.3899T>A), located in coding exon 9 of the MSH6 gene, results from a T to A substitution at nucleotide position 3899. The phenylalanine at codon 1300 is replaced by tyrosine, an amino acid with highly similar properties. This amino acid position is conserved. In addition, this alteration is predicted to be deleterious by in silico analysis. Since supporting evidence is limited at this time, the clinical significance of this alteration remains unclear.